The following is an entry in ClinVar:

NM_001267550.2(TTN):c.29774T>A (p.Ile9925Asn)

Gene: TTN (titin; minus strand). Cytogenetic location: 2q31.2.
Variant type: single nucleotide variant.
Coding change: c.29774T>A on transcript NM_001267550.2 (MANE Select); coding-DNA position 29774, T replaced by A.
Protein change: p.Ile9925Asn; replaces isoleucine 9925 with asparagine.
Molecular consequence: missense variant. On other transcripts: intron variant (3).
Genome position (GRCh38, 1-based): chr2:178,704,698, A>T on the plus strand (T>A on the coding strand, the complement: TTN is on the minus strand). VCF-style: chr2-178704698-A-T. GRCh37 (hg19) VCF-style: chr2-179569425-A-T.
Other names: c.28823T>A, p.Ile9608Asn (NM_001256850.1); c.26042T>A, p.Ile8681Asn (NM_133378.4); c.13282+33384T>A (NM_003319.4); c.13858+33384T>A (NM_133437.4); c.13657+33384T>A (NM_133432.3); short protein forms I8681N, I9608N, I9925N.
Identifiers: ClinVar variation 3905756 (VCV003905756.10).

ClinVar aggregate classification (germline): Uncertain significance (1 of 4 stars; one submission).

gnomAD v4.1: 1 of 1,611,636 alleles (0.000062%); highest among the groups gnomAD compares: Non-Finnish European, 0.000085%; no homozygotes.

Submission:

CeGaT Center for Human Genetics Tuebingen
Classification: Uncertain significance. Last evaluated: 2026-04-01. Review status: criteria provided, single submitter. Criteria: CeGaT Center For Human Genetics Tuebingen Variant Classification Criteria Version 2. Collection method: clinical testing. Allele origin: germline. Affected: yes. Observed: 2 variant alleles.
Comment: TTN: PM2